The following is an entry in ClinVar:

NM_001378120.1(MBD5):c.588T>C (p.Pro196=)

Gene: MBD5 (methyl-CpG binding domain protein 5; plus strand). Cytogenetic location: 2q23.1.
Variant type: single nucleotide variant.
Coding change: c.588T>C on transcript NM_001378120.1 (MANE Select); coding-DNA position 588, T replaced by C.
Protein change: p.Pro196=; no amino-acid change (proline 196 retained).
Molecular consequence: synonymous variant.
Genome position (GRCh38, 1-based): chr2:148,468,531, T>C. VCF-style: chr2-148468531-T-C. GRCh37 (hg19) VCF-style: chr2-149226100-T-C.
Other names: c.588T>C, p.Pro196= (NM_018328.5).
Identifiers: ClinVar variation 385747 (VCV000385747.32), dbSNP rs373675091, ClinGen allele CA1899898.

ClinVar aggregate classification (germline): Likely benign. Review status: criteria provided, multiple submitters, no conflicts (2 of 4 stars). 3 submissions from 3 submitters: Likely benign (3). Last evaluated 2024-07-01.

Conditions:
Intellectual developmental disorder, autosomal dominant 1. Also called: MBD5 Haploinsufficiency; Intellectual disability, autosomal dominant 1. Identifiers: Orphanet 228402, MedGen C1969562, MONDO:0007974, OMIM 156200.

Allele frequency attached by ClinVar (database versions not stated): gnomAD exomes 0.00003 and 0.00005; TOPMed 0.00003; ExAC 0.00004; gnomAD 0.00001; ESP Exome Variant Server 0.00008.
gnomAD v4.1: 77 of 1,613,806 alleles (0.0048%); highest among the groups gnomAD compares: Non-Finnish European, 0.0064%; no homozygotes.

Submissions (3):

CeGaT Center for Human Genetics Tuebingen
Classification: Likely benign. Last evaluated: 2024-07-01. Review status: criteria provided, single submitter. Criteria: CeGaT Center For Human Genetics Tuebingen Variant Classification Criteria Version 2. Collection method: clinical testing. Allele origin: germline. Affected: yes. Observed: 1 variant allele.
Comment: MBD5: BP4, BP7

Labcorp Genetics (formerly Invitae), Labcorp
Classification: Likely benign for Intellectual developmental disorder, autosomal dominant 1. Last evaluated: 2024-06-28. Review status: criteria provided, single submitter. Criteria: Invitae Variant Classification Sherloc (09022015). Collection method: clinical testing. Allele origin: germline.

GeneDx
Classification: Likely benign. Last evaluated: 2021-04-28. Review status: criteria provided, single submitter. Criteria: GeneDx Variant Classification Process June 2021. Collection method: clinical testing. Allele origin: germline. Affected: yes.